The following is an entry in ClinVar:

ClinVar aggregate classification (germline): Uncertain significance (1 of 4 stars; one submission).

Conditions:
Cardiovascular phenotype. Identifiers: MedGen CN230736.

gnomAD v4.1: 3 of 1,613,940 alleles (0.00019%); highest among the groups gnomAD compares: Admixed American, 0.005%; no homozygotes.

Submission:

Ambry Genetics
Classification: Uncertain significance for Cardiovascular phenotype. Last evaluated: 2025-09-18. Review status: criteria provided, single submitter. Criteria: Ambry Variant Classification Scheme 2023. Collection method: clinical testing. Allele origin: germline.
Comment: The p.H3114Q variant (also known as c.9342T>G), located in coding exon 26 of the APOB gene, results from a T to G substitution at nucleotide position 9342. The histidine at codon 3114 is replaced by glutamine, an amino acid with highly similar properties. This amino acid position is conserved. In addition, this alteration is predicted to be tolerated by in silico analysis. Based on the available evidence, the clinical significance of this variant remains unclear.

NM_000384.3(APOB):c.9342T>G (p.His3114Gln)

Gene: APOB (apolipoprotein B; minus strand). Cytogenetic location: 2p24.1.
Variant type: single nucleotide variant.
Coding change: c.9342T>G on transcript NM_000384.3 (MANE Select); coding-DNA position 9342, T replaced by G.
Protein change: p.His3114Gln; replaces histidine 3114 with glutamine.
Molecular consequence: missense variant.
Genome position (GRCh38, 1-based): chr2:21,007,526, A>C on the plus strand (T>G on the coding strand, the complement: APOB is on the minus strand). VCF-style: chr2-21007526-A-C. GRCh37 (hg19) VCF-style: chr2-21230398-A-C.
Other names: short protein forms H3114Q.
Identifiers: ClinVar variation 4613639 (VCV004613639.1).